The following is an entry in ClinVar:

ClinVar aggregate classification (germline): Uncertain significance (1 of 4 stars; one submission).

gnomAD v4.1: 5 of 1,613,744 alleles (0.00031%); highest among the groups gnomAD compares: Admixed American, 0.0017%; no homozygotes.

Submission:

Labcorp Genetics (formerly Invitae), Labcorp
Classification: Uncertain significance. Last evaluated: 2025-12-24. Review status: criteria provided, single submitter. Criteria: Invitae Variant Classification Sherloc (09022015). Collection method: clinical testing. Allele origin: germline.
Comment: This sequence change replaces alanine, which is neutral and non-polar, with proline, which is neutral and non-polar, at codon 118 of the COL9A2 protein (p.Ala118Pro). This variant is present in population databases (rs747104088, gnomAD 0.003%). This variant has not been reported in the literature in individuals affected with COL9A2-related conditions. Invitae Evidence Modeling of protein sequence and biophysical properties (such as structural, functional, and spatial information, amino acid conservation, physicochemical variation, residue mobility, and thermodynamic stability) indicates that this missense variant is not expected to disrupt COL9A2 protein function with a negative predictive value of 95%. In summary, the available evidence is currently insufficient to determine the role of this variant in disease. Therefore, it has been classified as a Variant of Uncertain Significance.

NM_001852.4(COL9A2):c.352G>C (p.Ala118Pro)

Gene: COL9A2 (collagen type IX alpha 2 chain; minus strand). Cytogenetic location: 1p34.2.
Variant type: single nucleotide variant.
Coding change: c.352G>C on transcript NM_001852.4 (MANE Select); coding-DNA position 352, G replaced by C.
Protein change: p.Ala118Pro; replaces alanine 118 with proline.
Molecular consequence: missense variant.
Genome position (GRCh38, 1-based): chr1:40,312,467, C>G on the plus strand (G>C on the coding strand, the complement: COL9A2 is on the minus strand). VCF-style: chr1-40312467-C-G. GRCh37 (hg19) VCF-style: chr1-40778139-C-G.
Other names: short protein forms A118P.
Identifiers: ClinVar variation 4765962 (VCV004765962.1).